The following is an entry in ClinVar:

NM_000093.5(COL5A1):c.5068-116del

Genes: COL5A1 (collagen type V alpha 1 chain; plus strand), LOC101448202 (uncharacterized LOC101448202; minus strand). Cytogenetic location: 9q34.3.
Variant type: Deletion.
Coding change: c.5068-116del on transcript NM_000093.5 (MANE Select); 116 bases into the intron before coding-DNA position 5068, one base deleted (C; older notation c.5068-116delC).
Molecular consequence: intron variant.
Genome position (GRCh38, 1-based): chr9:134,829,860, C deleted; the last of 7 consecutive C bases (chr9:134,829,854-134,829,860); deleting any one gives the same sequence. VCF-style (leftmost placement, unchanged base first): chr9-134829853-GC-G. GRCh37 (hg19) VCF-style: chr9-137721699-GC-G.
Other names: c.5068-248del (NM_001278074.1).
Identifiers: ClinVar variation 675259 (VCV000675259.1), dbSNP rs57187666, ClinGen allele CA201104451.

ClinVar aggregate classification (germline): Benign (1 of 4 stars; one submission).

Submission:

GeneDx
Classification: Benign. Last evaluated: 2018-06-14. Review status: criteria provided, single submitter. Criteria: GeneDx Variant Classification (06012015). Collection method: clinical testing. Allele origin: germline. Affected: yes.
Comment: This variant is considered likely benign or benign based on one or more of the following criteria: it is a conservative change, it occurs at a poorly conserved position in the protein, it is predicted to be benign by multiple in silico algorithms, and/or has population frequency not consistent with disease.